The following is an entry in ClinVar:

ClinVar aggregate classification (germline): Likely benign (1 of 4 stars; one submission).

Allele frequency attached by ClinVar (database versions not stated): 1000 Genomes Project 0.00160; 1000 Genomes Project 30x 0.00187; ExAC 0.00348; gnomAD 0.00387; TOPMed 0.00408; ESP Exome Variant Server 0.00546; gnomAD exomes 0.00651.
gnomAD v4.1: 10,077 of 1,613,978 alleles (0.62%); highest among the groups gnomAD compares: Non-Finnish European, 0.78%; 41 homozygotes.

Submission:

CeGaT Center for Human Genetics Tuebingen
Classification: Likely benign. Last evaluated: 2022-10-01. Review status: criteria provided, single submitter. Criteria: CeGaT Center For Human Genetics Tuebingen Variant Classification Criteria Version 2. Collection method: clinical testing. Allele origin: germline. Affected: yes. Observed: 1 variant allele.
Comment: SNRNP35: BP4, BP7

NM_022717.4(SNRNP35):c.321A>G (p.Lys107=)

Gene: SNRNP35 (small nuclear ribonucleoprotein U11/U12 subunit 35; plus strand). Cytogenetic location: 12q24.31.
Variant type: single nucleotide variant.
Coding change: c.321A>G on transcript NM_022717.4 (MANE Select); coding-DNA position 321, A replaced by G.
Protein change: p.Lys107=; no amino-acid change (lysine 107 retained).
Molecular consequence: synonymous variant.
Genome position (GRCh38, 1-based): chr12:123,465,861, A>G. VCF-style: chr12-123465861-A-G. GRCh37 (hg19) VCF-style: chr12-123950408-A-G.
Other names: c.336A>G, p.Lys112= (NM_180699.3).
Identifiers: ClinVar variation 2643511 (VCV002643511.24), dbSNP rs28728202, ClinGen allele CA6858602.
Genomic context (GRCh38, chr12:123,465,861, plus strand): 5'-CACAGGTTTTTCAAAGGGCTACGCCTTCATCGAATACAAGGAGGAGCGTGCCGTGATCAA[A>G]GCTTACCGAGATGCTGATGGCCTGGTTATTGACCAGCATGAGATATTTGTGGACTACGAG-3'
Protein context (NP_073208.1, residues 97-117): IEYKEERAVI[Lys107=]AYRDADGLVI